The following is an entry in ClinVar:

ClinVar aggregate classification (germline): Pathogenic (1 of 4 stars; one submission).

Conditions:
Hereditary cancer-predisposing syndrome. Also called: Hereditary Cancer Syndrome; Hereditary neoplastic syndrome; Neoplastic Syndromes, Hereditary; Tumor predisposition. Identifiers: Orphanet 140162, MedGen C0027672, MeSH D009386, MONDO:0015356.

Submission:

Ambry Genetics
Classification: Pathogenic for Hereditary cancer-predisposing syndrome. Last evaluated: 2023-09-02. Review status: criteria provided, single submitter. Criteria: Ambry Variant Classification Scheme 2023. Collection method: clinical testing. Allele origin: germline.
Comment: The c.6996delT pathogenic mutation, located in coding exon 47 of the ATM gene, results from a deletion of one nucleotide at nucleotide position 6996, causing a translational frameshift with a predicted alternate stop codon (p.T2333Hfs*6). This alteration was identified in an individual diagnosed with ataxia telangiectasia (Cirillo E et al. Eur J Neurol, 2018 Jun;25:833-840). This variant is considered to be rare based on population cohorts in the Genome Aggregation Database (gnomAD). In addition to the clinical data presented in the literature, this alteration is expected to result in loss of function by premature protein truncation or nonsense-mediated mRNA decay. As such, this alteration is interpreted as a disease-causing mutation.

Literature cited by the submitters: PubMed 29489040.

NM_000051.4(ATM):c.6996del (p.Thr2333fs)

Genes: ATM (ATM serine/threonine kinase; plus strand), C11orf65 (chromosome 11 open reading frame 65; minus strand). Cytogenetic location: 11q22.3.
Variant type: Deletion.
Coding change: c.6996del on transcript NM_000051.4 (MANE Select); coding-DNA position 6996, one base deleted (T; older notation c.6996delT).
Protein change: p.Thr2333fs; shifts the reading frame from threonine 2333.
Molecular consequence: frameshift variant. On other transcripts: intron variant (2).
Genome position (GRCh38, 1-based): chr11:108,327,665, T deleted; the last of 2 consecutive T bases (chr11:108,327,664-108,327,665); deleting either gives the same sequence. VCF-style (leftmost placement, unchanged base first): chr11-108327663-CT-C. GRCh37 (hg19) VCF-style: chr11-108198390-CT-C.
Other names: c.641-18593del (NM_001330368.2); c.*38+7556del (NM_001351110.2); c.6996del, p.Thr2333fs (NM_001351834.2); short protein forms T2333fs.
Identifiers: ClinVar variation 2587811 (VCV002587811.2), dbSNP rs2136373820, ClinGen allele CA2582342470.